The following is an entry in ClinVar:

NM_001374828.1(ARID1B):c.6742C>T (p.Pro2248Ser)

Gene: ARID1B (AT-rich interaction domain 1B; plus strand). Cytogenetic location: 6q25.3.
Variant type: single nucleotide variant.
Coding change: c.6742C>T on transcript NM_001374828.1 (MANE Select); coding-DNA position 6742, C replaced by T.
Protein change: p.Pro2248Ser; replaces proline 2248 with serine.
Molecular consequence: missense variant.
Genome position (GRCh38, 1-based): chr6:157,207,514, C>T. VCF-style: chr6-157207514-C-T. GRCh37 (hg19) VCF-style: chr6-157528648-C-T.
Other names: c.6493C>T, p.Pro2165Ser (NM_001346813.1); c.4243C>T, p.Pro1415Ser (NM_001363725.2); c.6622C>T, p.Pro2208Ser (NM_001371656.1, NM_001374820.1); c.6583C>T, p.Pro2195Ser (NM_017519.3); c.6373C>T, p.Pro2125Ser (NM_020732.3); c.6160C>T, p.Pro2054Ser (NM_175863.2); short protein forms P2248S, P2054S, P2125S, P1415S, P2165S, P2195S, P2208S.
Identifiers: ClinVar variation 2808913 (VCV002808913.3), dbSNP rs2128398306, ClinGen allele CA366248958.

ClinVar aggregate classification (germline): Uncertain significance (1 of 4 stars; one submission).

Submission:

Labcorp Genetics (formerly Invitae), Labcorp
Classification: Uncertain significance. Last evaluated: 2025-11-09. Review status: criteria provided, single submitter. Criteria: Invitae Variant Classification Sherloc (09022015). Collection method: clinical testing. Allele origin: germline.
Comment: This sequence change replaces proline, which is neutral and non-polar, with serine, which is neutral and polar, at codon 2208 of the ARID1B protein (p.Pro2208Ser). This variant is not present in population databases (gnomAD no frequency). This variant has not been reported in the literature in individuals affected with ARID1B-related conditions. ClinVar contains an entry for this variant (Variation ID: 2808913). Invitae Evidence Modeling of protein sequence and biophysical properties (such as structural, functional, and spatial information, amino acid conservation, physicochemical variation, residue mobility, and thermodynamic stability) indicates that this missense variant is not expected to disrupt ARID1B protein function with a negative predictive value of 95%. In summary, the available evidence is currently insufficient to determine the role of this variant in disease. Therefore, it has been classified as a Variant of Uncertain Significance.